The following is an entry in ClinVar:

ClinVar aggregate classification (germline): Uncertain significance (1 of 4 stars; one submission).

Conditions:
CLCN5-related disorder. Also called: CLCN5-related condition.

gnomAD v4.1: 2 of 1,060,419 alleles (0.00019%); highest among the groups gnomAD compares: East Asian, 0.0034%; no homozygotes.

Submission:

PreventionGenetics, part of Exact Sciences
Classification: Uncertain significance for CLCN5-related condition. Last evaluated: 2025-08-12. Review status: criteria provided, single submitter. Criteria: ACMG Guidelines, 2015. Collection method: clinical testing. Allele origin: germline.
Comment: The CLCN5 c.3G>A variant is predicted to disrupt the translation initiation site (Start loss). This variant is also refered to as a precoding variant c.-47-145G>A in an alternative transcript (NM_000084). To our knowledge, this variant has not been reported in the literature or in a large population database (gnomAD), indicating this variant is rare. At this time, the clinical significance of this variant is uncertain due to the absence of conclusive functional and genetic evidence.

NM_001127898.4(CLCN5):c.164-145G>A

Gene: CLCN5 (Cl-/H+ antiporter 5; plus strand). Cytogenetic location: Xp11.23.
Variant type: single nucleotide variant.
Coding change: c.164-145G>A on transcript NM_001127898.4 (MANE Select); 145 bases into the intron before coding-DNA position 164, G replaced by A.
Molecular consequence: intron variant. On other transcripts: missense variant (1), initiator codon variant (1).
Genome position (GRCh38, 1-based): chrX:50,069,734, G>A. VCF-style: chrX-50069734-G-A. GRCh37 (hg19) VCF-style: chrX-49834389-G-A.
Other names: c.3G>A, p.Met1Ile (NM_001282163.2); c.176-145G>A (NM_001440757.1, NM_001440756.1); c.164-145G>A (NM_001127899.4); c.-47-145G>A (NM_000084.5); short protein forms M1I.
Identifiers: ClinVar variation 4984665 (VCV004984665.1).